The following is an entry in ClinVar:

NM_001394062.1(MACF1):c.3980A>C (p.Lys1327Thr)

Gene: MACF1 (microtubule actin crosslinking factor 1; plus strand). Cytogenetic location: 1p34.3.
Variant type: single nucleotide variant.
Coding change: c.3980A>C on transcript NM_001394062.1 (MANE Select); coding-DNA position 3980, A replaced by C.
Protein change: p.Lys1327Thr; replaces lysine 1327 with threonine.
Molecular consequence: missense variant.
Genome position (GRCh38, 1-based): chr1:39,319,698, A>C. VCF-style: chr1-39319698-A-C. GRCh37 (hg19) VCF-style: chr1-39785370-A-C.
Other names: c.3995A>C, p.Lys1332Thr (NM_012090.5); short protein forms K1327T, K1332T.
Identifiers: ClinVar variation 3644199 (VCV003644199.2).

ClinVar aggregate classification (germline): Uncertain significance (1 of 4 stars; one submission).

gnomAD v4.1: 17 of 1,613,754 alleles (0.0011%); highest among the groups gnomAD compares: Admixed American, 0.027%; no homozygotes.

Submission:

Labcorp Genetics (formerly Invitae), Labcorp
Classification: Uncertain significance. Last evaluated: 2025-11-20. Review status: criteria provided, single submitter. Criteria: Invitae Variant Classification Sherloc (09022015). Collection method: clinical testing. Allele origin: germline.
Comment: This sequence change replaces lysine, which is basic and polar, with threonine, which is neutral and polar, at codon 1332 of the MACF1 protein (p.Lys1332Thr). This variant is present in population databases (rs774655821, gnomAD 0.04%), and has an allele count higher than expected for a pathogenic variant. This variant has not been reported in the literature in individuals affected with MACF1-related conditions. ClinVar contains an entry for this variant (Variation ID: 3644199). An algorithm developed to predict the effect of missense changes on protein structure and function (PolyPhen-2) suggests that this variant is likely to be disruptive. In summary, the available evidence is currently insufficient to determine the role of this variant in disease. Therefore, it has been classified as a Variant of Uncertain Significance.